The following is an entry in ClinVar:

ClinVar aggregate classification (germline): Uncertain significance. Review status: criteria provided, multiple submitters, no conflicts (2 of 4 stars). 2 submissions from 2 submitters: Uncertain significance (2). Last evaluated 2025-11-10.

Allele frequency attached by ClinVar (database versions not stated): gnomAD exomes below 0.00001.
gnomAD v4.1: 7 of 1,613,810 alleles (0.00043%); highest among the groups gnomAD compares: Middle Eastern, 0.033%; no homozygotes.

Submissions (2):

Labcorp Genetics (formerly Invitae), Labcorp
Classification: Uncertain significance. Last evaluated: 2025-11-10. Review status: criteria provided, single submitter. Criteria: Invitae Variant Classification Sherloc (09022015). Collection method: clinical testing. Allele origin: germline.
Comment: This sequence change replaces valine, which is neutral and non-polar, with leucine, which is neutral and non-polar, at codon 292 of the PHYH protein (p.Val292Leu). This variant is present in population databases (no rsID available, gnomAD 0.0009%). This variant has not been reported in the literature in individuals affected with PHYH-related conditions. ClinVar contains an entry for this variant (Variation ID: 1420356). An algorithm developed to predict the effect of missense changes on protein structure and function (PolyPhen-2) suggests that this variant is likely to be tolerated. In summary, the available evidence is currently insufficient to determine the role of this variant in disease. Therefore, it has been classified as a Variant of Uncertain Significance.

Blueprint Genetics
Classification: Uncertain significance. Last evaluated: 2024-10-14. Review status: criteria provided, single submitter. Criteria: ACMG Guidelines, 2015. Collection method: clinical testing. Allele origin: germline.

NM_006214.4(PHYH):c.874G>C (p.Val292Leu)

Gene: PHYH (phytanoyl-CoA 2-hydroxylase; minus strand). Cytogenetic location: 10p13.
Variant type: single nucleotide variant.
Coding change: c.874G>C on transcript NM_006214.4 (MANE Select); coding-DNA position 874, G replaced by C.
Protein change: p.Val292Leu; replaces valine 292 with leucine.
Molecular consequence: missense variant.
Genome position (GRCh38, 1-based): chr10:13,281,065, C>G on the plus strand (G>C on the coding strand, the complement: PHYH is on the minus strand). VCF-style: chr10-13281065-C-G. GRCh37 (hg19) VCF-style: chr10-13323065-C-G.
Other names: c.574G>C, p.Val192Leu (NM_001037537.2, NM_001323080.2); c.880G>C, p.Val294Leu (NM_001323082.2); c.610G>C, p.Val204Leu (NM_001323083.2); c.580G>C, p.Val194Leu (NM_001323084.2); short protein forms V192L, V292L, V294L, V194L, V204L.
Identifiers: ClinVar variation 1420356 (VCV001420356.9), dbSNP rs1310532591, ClinGen allele CA376051486.